The following is an entry in ClinVar:

ClinVar aggregate classification (germline): Benign. Review status: criteria provided, multiple submitters, no conflicts (2 of 4 stars). 4 submissions from 4 submitters: Benign (3). 1 of the submissions does not count toward it. Last evaluated 2024-07-29.

Conditions:
FDXR-related disorder. Also called: FDXR-related condition; FDXR-related disorders.

Allele frequency attached by ClinVar (database versions not stated): gnomAD 0.01310 and 0.01394; TOPMed 0.01424; ESP Exome Variant Server 0.01438; 1000 Genomes Project 0.01538; 1000 Genomes Project 30x 0.01577.
gnomAD v4.1: 4,019 of 1,614,090 alleles (0.25%); highest among the groups gnomAD compares: African/African-American, 4.5%; 87 homozygotes.

Submissions (4):

Mayo Clinic Laboratories, Mayo Clinic
Classification: Benign. Last evaluated: 2024-07-29. Review status: criteria provided, single submitter. Criteria: ACMG Guidelines, 2015. Collection method: clinical testing. Allele origin: germline. Observed: 2 variant alleles.
Comment: BA1

Labcorp Genetics (formerly Invitae), Labcorp
Classification: Benign. Last evaluated: 2019-12-31. Review status: criteria provided, single submitter. Criteria: Invitae Variant Classification Sherloc (09022015). Collection method: clinical testing. Allele origin: germline.

Breakthrough Genomics
Classification: Benign. Review status: criteria provided, single submitter. Criteria: ACMG Guidelines, 2015. Collection method: not provided. Allele origin: germline. Inheritance: Autosomal recessive inheritance. Affected: yes.

PreventionGenetics, part of Exact Sciences
Classification: Benign for FDXR-related condition. Last evaluated: 2019-07-15. Review status: no assertion criteria provided. Collection method: clinical testing. Allele origin: germline. Not counted in ClinVar's aggregate classification.
Comment: This variant is classified as benign based on ACMG/AMP sequence variant interpretation guidelines (Richards et al. 2015 PMID: 25741868, with internal and published modifications).

NM_024417.5(FDXR):c.610-4C>G

Gene: FDXR (ferredoxin reductase; minus strand). Cytogenetic location: 17q25.1.
Variant type: single nucleotide variant.
Coding change: c.610-4C>G on transcript NM_024417.5 (MANE Select); 4 bases into the intron before coding-DNA position 610, C replaced by G.
Molecular consequence: intron variant. On other transcripts: missense variant (1).
Genome position (GRCh38, 1-based): chr17:74,864,935, G>C on the plus strand (C>G on the coding strand, the complement: FDXR is on the minus strand). VCF-style: chr17-74864935-G-C. GRCh37 (hg19) VCF-style: chr17-72861057-G-C.
Other names: p.?; c.624C>G, p.Cys208Trp (NM_004110.6); c.586-4C>G (NM_001258014.4); c.490-4C>G (NM_001258015.3); c.739-4C>G (NM_001258012.4); c.703-4C>G (NM_001258013.4); c.454-4C>G (NM_001258016.3); c.624C>G (NM_004110.5); short protein forms C208W.
Identifiers: ClinVar variation 785581 (VCV000785581.8), dbSNP rs35102176, ClinGen allele CA8753109.